The following is an entry in ClinVar:

NM_002474.3(MYH11):c.4773G>C (p.Arg1591Ser)

Genes: MYH11 (myosin heavy chain 11; minus strand), NDE1 (nudE neurodevelopment protein 1; plus strand). Cytogenetic location: 16p13.11.
Variant type: single nucleotide variant.
Coding change: c.4773G>C on transcript NM_002474.3 (MANE Select); coding-DNA position 4773, G replaced by C.
Protein change: p.Arg1591Ser; replaces arginine 1591 with serine.
Molecular consequence: missense variant. On other transcripts: intron variant (2).
Genome position (GRCh38, 1-based): chr16:15,720,857, C>G on the plus strand (G>C on the coding strand, the complement: MYH11 is on the minus strand). VCF-style: chr16-15720857-C-G. GRCh37 (hg19) VCF-style: chr16-15814714-C-G.
Other names: c.4794G>C, p.Arg1598Ser (NM_001040113.2, NM_001040114.2); c.4773G>C, p.Arg1591Ser (NM_022844.3); c.948-3334C>G (NM_001143979.2, NM_017668.3); short protein forms R1598S, R1591S.
Identifiers: ClinVar variation 872383 (VCV000872383.47), dbSNP rs747923542, ClinGen allele CA394853394.

ClinVar aggregate classification (germline): Uncertain significance. Review status: criteria provided, multiple submitters, no conflicts (2 of 4 stars). 4 submissions from 4 submitters: Uncertain significance (4). Last evaluated 2025-03-24.

Conditions:
Familial thoracic aortic aneurysm and aortic dissection (TAAD). Also called: Thoracic aortic aneurysms and dissections. Identifiers: Orphanet 91387, MedGen C4707243, MONDO:0019625.
Aortic aneurysm, familial thoracic 4 (AAT4). Also called: AORTIC ANEURYSM/AORTIC DISSECTION AND PATENT DUCTUS ARTERIOSUS. Identifiers: MedGen C1851504, MONDO:0007568, OMIM 132900.

Allele frequency attached by ClinVar (database versions not stated): TOPMed 0.00001.
gnomAD v4.1: 4 of 1,613,640 alleles (0.00025%); highest among the groups gnomAD compares: Non-Finnish European, 0.00034%; no homozygotes.

Submissions (4):

Labcorp Genetics (formerly Invitae), Labcorp
Classification: Uncertain significance for Aortic aneurysm, familial thoracic 4. Last evaluated: 2025-03-24. Review status: criteria provided, single submitter. Criteria: Invitae Variant Classification Sherloc (09022015). Collection method: clinical testing. Allele origin: germline.
Comment: This sequence change replaces arginine, which is basic and polar, with serine, which is neutral and polar, at codon 1598 of the MYH11 protein (p.Arg1598Ser). This variant is not present in population databases (gnomAD no frequency). This variant has not been reported in the literature in individuals affected with MYH11-related conditions. ClinVar contains an entry for this variant (Variation ID: 872383). Invitae Evidence Modeling of protein sequence and biophysical properties (such as structural, functional, and spatial information, amino acid conservation, physicochemical variation, residue mobility, and thermodynamic stability) indicates that this missense variant is not expected to disrupt MYH11 protein function with a negative predictive value of 95%. In summary, the available evidence is currently insufficient to determine the role of this variant in disease. Therefore, it has been classified as a Variant of Uncertain Significance.

Institute of Immunology and Genetics Kaiserslautern
Classification: Uncertain significance for Aortic aneurysm, familial thoracic 4. Last evaluated: 2024-07-23. Review status: criteria provided, single submitter. Criteria: ACMG Guidelines, 2015. Collection method: clinical testing. Allele origin: germline. Affected: yes.
Comment: ACMG Criteria: PM2_P; Variant was found in heterozygous state

Color Diagnostics, LLC DBA Color Health
Classification: Uncertain significance for Familial thoracic aortic aneurysm and aortic dissection. Last evaluated: 2024-03-06. Review status: criteria provided, single submitter. Criteria: ACMG Guidelines, 2015. Collection method: clinical testing. Allele origin: germline.
Comment: This missense variant replaces arginine with serine at codon 1598 of the MYH11 protein. Computational prediction suggests that this variant may not impact protein structure and function (internally defined REVEL score threshold <= 0.5, PMID: 27666373). To our knowledge, functional studies have not been reported for this variant. This variant has not been reported in individuals affected with cardiovascular disorders in the literature. This variant has not been identified in the general population by the Genome Aggregation Database (gnomAD). The available evidence is insufficient to determine the role of this variant in disease conclusively. Therefore, this variant is classified as a Variant of Uncertain Significance.

CeGaT Center for Human Genetics Tuebingen
Classification: Uncertain significance. Last evaluated: 2019-08-01. Review status: criteria provided, single submitter. Criteria: CeGaT Center For Human Genetics Tuebingen Variant Classification Criteria Version 2. Collection method: clinical testing. Allele origin: germline. Affected: yes. Observed: 1 variant allele.